The following is an entry in ClinVar:

NM_033400.3(ZFHX2):c.5469A>C (p.Ser1823=)

Genes: THTPA (thiamine triphosphatase; plus strand), ZFHX2 (zinc finger homeobox 2; minus strand). Cytogenetic location: 14q11.2.
Variant type: single nucleotide variant.
Coding change: c.5469A>C on transcript NM_033400.3 (MANE Select); coding-DNA position 5469, A replaced by C.
Protein change: p.Ser1823=; no amino-acid change (serine 1823 retained).
Molecular consequence: synonymous variant.
Genome position (GRCh38, 1-based): chr14:23,524,473, T>G on the plus strand (A>C on the coding strand, the complement: ZFHX2 is on the minus strand). VCF-style: chr14-23524473-T-G. GRCh37 (hg19) VCF-style: chr14-23993682-T-G.
Identifiers: ClinVar variation 3771508 (VCV003771508.13).
Genomic context (GRCh38, chr14:23,524,473, plus strand): 5'-GCCTGTGGGAGACAAGCTGCCGTCCTCATGCTTCCGTTTGAGAGGTGGACCTGGCATTGG[T>G]GAGGTGGCTGCCACCAGGGGGTTTCTCTCCCCAAACACCAGCAAGGGCAGATCTAGGAGT-3'
Protein context (NP_207646.2, residues 1813-1833): GERNPLVAAT[Ser1823=]PMPGPPLKRK

ClinVar aggregate classification (germline): Likely benign (1 of 4 stars; one submission).

gnomAD v4.1: 28 of 1,532,846 alleles (0.0018%); highest among the groups gnomAD compares: Non-Finnish European, 0.0024%; no homozygotes.

Submission:

CeGaT Center for Human Genetics Tuebingen
Classification: Likely benign. Last evaluated: 2025-02-01. Review status: criteria provided, single submitter. Criteria: CeGaT Center For Human Genetics Tuebingen Variant Classification Criteria Version 2. Collection method: clinical testing. Allele origin: germline. Affected: yes. Observed: 1 variant allele.
Comment: ZFHX2: BP4, BP7